The following is an entry in ClinVar:

ClinVar aggregate classification (germline): Uncertain significance (1 of 4 stars; one submission).

gnomAD v4.1: 1 of 1,614,072 alleles (0.000062%); highest among the groups gnomAD compares: South Asian, 0.0011%; no homozygotes.

Submission:

Ambry Genetics
Classification: Uncertain significance. Last evaluated: 2026-03-10. Review status: criteria provided, single submitter. Criteria: Ambry Variant Classification Scheme 2023. Collection method: clinical testing. Allele origin: germline.
Comment: The p.H220Y variant (also known as c.658C>T), located in coding exon 1 of the TET2 gene, results from a C to T substitution at nucleotide position 658. The histidine at codon 220 is replaced by tyrosine, an amino acid with similar properties. This amino acid position is conserved. In addition, this alteration is predicted to be tolerated by in silico analysis. Based on the available evidence, the clinical significance of this variant remains unclear.

NM_001127208.3(TET2):c.658C>T (p.His220Tyr)

Genes: TET2 (tet methylcytosine dioxygenase 2; plus strand), TET2-AS1 (TET2 antisense RNA 1; minus strand). Cytogenetic location: 4q24.
Variant type: single nucleotide variant.
Coding change: c.658C>T on transcript NM_001127208.3 (MANE Select); coding-DNA position 658, C replaced by T.
Protein change: p.His220Tyr; replaces histidine 220 with tyrosine.
Molecular consequence: missense variant.
Genome position (GRCh38, 1-based): chr4:105,234,600, C>T. VCF-style: chr4-105234600-C-T. GRCh37 (hg19) VCF-style: chr4-106155757-C-T.
Other names: c.658C>T, p.His220Tyr (NM_017628.4); short protein forms H220Y.
Identifiers: ClinVar variation 4827260 (VCV004827260.1).